The following is an entry in ClinVar:

NM_002474.3(MYH11):c.1235A>G (p.Gln412Arg)

Gene: MYH11 (myosin heavy chain 11; minus strand). Cytogenetic location: 16p13.11.
Variant type: single nucleotide variant.
Coding change: c.1235A>G on transcript NM_002474.3 (MANE Select); coding-DNA position 1235, A replaced by G.
Protein change: p.Gln412Arg; replaces glutamine 412 with arginine.
Molecular consequence: missense variant.
Genome position (GRCh38, 1-based): chr16:15,760,553, T>C on the plus strand (A>G on the coding strand, the complement: MYH11 is on the minus strand). VCF-style: chr16-15760553-T-C. GRCh37 (hg19) VCF-style: chr16-15854410-T-C.
Other names: c.1256A>G, p.Gln419Arg (NM_001040113.2, NM_001040114.2); c.1235A>G, p.Gln412Arg (NM_022844.3); short protein forms Q412R, Q419R.
Identifiers: ClinVar variation 3070027 (VCV003070027.3), dbSNP rs2506411721, ClinGen allele CA394872839.

ClinVar aggregate classification (germline): Uncertain significance. Review status: criteria provided, multiple submitters, no conflicts (2 of 4 stars). 3 submissions from 3 submitters: Uncertain significance (3). Last evaluated 2025-09-17.

Conditions:
Familial thoracic aortic aneurysm and aortic dissection (TAAD). Also called: Thoracic aortic aneurysms and dissections. Identifiers: Orphanet 91387, MedGen C4707243, MONDO:0019625.
Aortic aneurysm, familial thoracic 4 (AAT4). Also called: AORTIC ANEURYSM/AORTIC DISSECTION AND PATENT DUCTUS ARTERIOSUS. Identifiers: MedGen C1851504, MONDO:0007568, OMIM 132900.

Allele frequency attached by ClinVar (database versions not stated): gnomAD exomes below 0.00001.
gnomAD v4.1: 4 of 1,611,074 alleles (0.00025%); highest among the groups gnomAD compares: Non-Finnish European, 0.00034%; no homozygotes.

Submissions (3):

Labcorp Genetics (formerly Invitae), Labcorp
Classification: Uncertain significance for Aortic aneurysm, familial thoracic 4. Last evaluated: 2025-09-17. Review status: criteria provided, single submitter. Criteria: Invitae Variant Classification Sherloc (09022015). Collection method: clinical testing. Allele origin: germline.
Comment: This sequence change replaces glutamine, which is neutral and polar, with arginine, which is basic and polar, at codon 419 of the MYH11 protein (p.Gln419Arg). This variant is not present in population databases (gnomAD no frequency). This variant has not been reported in the literature in individuals affected with MYH11-related conditions. ClinVar contains an entry for this variant (Variation ID: 3070027). Invitae Evidence Modeling of protein sequence and biophysical properties (such as structural, functional, and spatial information, amino acid conservation, physicochemical variation, residue mobility, and thermodynamic stability) indicates that this missense variant is not expected to disrupt MYH11 protein function with a negative predictive value of 95%. In summary, the available evidence is currently insufficient to determine the role of this variant in disease. Therefore, it has been classified as a Variant of Uncertain Significance.

Color Diagnostics, LLC DBA Color Health
Classification: Uncertain significance for Familial thoracic aortic aneurysm and aortic dissection. Last evaluated: 2024-04-29. Review status: criteria provided, single submitter. Criteria: ACMG Guidelines, 2015. Collection method: clinical testing. Allele origin: germline.
Comment: This missense variant replaces glutamine with arginine at codon 419 of the MYH11 protein. Computational prediction tools indicate that this variant has a deleterious impact on protein structure and function. To our knowledge, functional studies have not been reported for this variant. This variant has not been reported in individuals affected with MYH11-related disorders in the literature. This variant has not been identified in the general population by the Genome Aggregation Database (gnomAD). The available evidence is insufficient to determine the role of this variant in disease conclusively. Therefore, this variant is classified as a Variant of Uncertain Significance.

All of Us Research Program, National Institutes of Health
Classification: Uncertain significance for Familial thoracic aortic aneurysm and aortic dissection. Last evaluated: 2023-04-27. Review status: criteria provided, single submitter. Criteria: ACMG Guidelines, 2015. Collection method: clinical testing. Allele origin: germline. Inheritance: Autosomal dominant inheritance. Observed: 1 variant allele, 1 heterozygote.
Comment: This study involves interpretation of variants in research participants for the purpose of population health screening. Participant phenotype was not available at the time of variant classification. Additional details can be found in publication PMID: 35346344, PMCID: PMC8962531